The following is an entry in ClinVar:

NM_000070.3(CAPN3):c.590G>A (p.Arg197His)

Gene: CAPN3 (calpain 3; plus strand). Cytogenetic location: 15q15.1.
Variant type: single nucleotide variant.
Coding change: c.590G>A on transcript NM_000070.3 (MANE Select); coding-DNA position 590, G replaced by A.
Protein change: p.Arg197His; replaces arginine 197 with histidine.
Molecular consequence: missense variant.
Genome position (GRCh38, 1-based): chr15:42,387,844, G>A. VCF-style: chr15-42387844-G-A. GRCh37 (hg19) VCF-style: chr15-42680042-G-A.
Other names: c.590G>A, p.Arg197His (NM_024344.2, NM_173087.2); short protein forms R197H.
Identifiers: ClinVar variation 315892 (VCV000315892.16), dbSNP rs768426565, ClinGen allele CA7511064.
Genomic context (GRCh38, chr15:42,387,844, plus strand): 5'-TTATAGATGACTGCCTGCCAACGTACAACAATCAACTGGTTTTCACCAAGTCCAACCACC[G>A]CAATGAGTTCTGGAGTGCTCTGCTGGAGAAGGCTTATGCTAAGTAAGCAACACTTTAGAA-3'
Protein context (NP_000061.1, residues 187-207): NQLVFTKSNH[Arg197His]NEFWSALLEK

ClinVar aggregate classification (germline): Conflicting classifications of pathogenicity. Review status: criteria provided, conflicting classifications (1 of 4 stars). 7 submissions from 7 submitters: Likely pathogenic (3); Uncertain significance (3). 1 of the submissions does not count toward it. Last evaluated 2025-12-24.

Conditions:
Autosomal recessive limb-girdle muscular dystrophy type 2A (LGMDR1). Also called: LEYDEN-MOEBIUS MUSCULAR DYSTROPHY; MUSCULAR DYSTROPHY, PELVOFEMORAL; Muscular dystrophy, limb-girdle, type 2A, Amish; Limb-girdle muscular dystrophy, type 2A; Calpainopathy. Identifiers: Orphanet 267, MedGen C1869123, MONDO:0009675, OMIM 253600. Disease mechanism: loss of function.
CAPN3-related disorder. Also called: CAPN3-related disorders; CAPN3-related condition. Identifiers: MedGen CN239245.
Muscular dystrophy, limb-girdle, autosomal dominant 4. Also called: Calpain-3-related limb-girdle muscular dystrophy D4; MUSCULAR DYSTROPHY, LIMB-GIRDLE, TYPE 1I. Identifiers: Orphanet 565909, MedGen C4748295, MONDO:0029133, OMIM 618129.

Allele frequency attached by ClinVar (database versions not stated): TOPMed 0.00005.
gnomAD v4.1: 62 of 1,614,040 alleles (0.0038%); highest among the groups gnomAD compares: East Asian, 0.011%; no homozygotes.

Submissions (7):

Natera, Inc.
Classification: Likely pathogenic for Limb-girdle muscular dystrophy type 2A. Last evaluated: 2025-12-24. Review status: criteria provided, single submitter. Criteria: Natera Variant Classification Schema (03/2026). Collection method: clinical testing. Allele origin: germline.
Comment: The c.590G>A variant in CAPN3 is a missense variant predicted to cause substitution of arginine to histidine at amino acid 197. This variant is rare in the general population with a frequency below the threshold expected for the associated phenotype(s). This variant has been observed in one or more individuals affected with the associated recessive disease, as either homozygous or compound heterozygous with a second variant (PMID: 18854869). Functional studies show that this variant may disrupt protein function (PMID: 18854869). Computational prediction algorithms indicate this variant is likely to affect gene or protein function. Given the available evidence, this variant is classified as Likely Pathogenic.

GeneDx
Classification: Uncertain significance. Last evaluated: 2025-10-07. Review status: criteria provided, single submitter. Criteria: GeneDx Variant Classification Process June 2021. Collection method: clinical testing. Allele origin: germline.
Comment: Identified with a second CAPN3 variant in patients with limb girdle muscular dystrophies, but it is not known whether the variants occurred on the same (in cis) or on different (in trans) chromosomes in all cases (PMID: 16141003); In silico analysis suggests that this missense variant does not alter protein structure/function; This variant is associated with the following publications: (PMID: 15221789, 20460380, 18854869, 34426522, 16141003, 40870035)

Revvity Omics, Revvity
Classification: Uncertain significance. Last evaluated: 2025-02-28. Review status: criteria provided, single submitter. Criteria: ACMG Guidelines, 2015. Collection method: clinical testing. Allele origin: germline.

Labcorp Genetics (formerly Invitae), Labcorp
Classification: Uncertain significance for Autosomal recessive limb-girdle muscular dystrophy type 2A. Last evaluated: 2024-07-19. Review status: criteria provided, single submitter. Criteria: Invitae Variant Classification Sherloc (09022015). Collection method: clinical testing. Allele origin: germline.
Comment: This sequence change replaces arginine, which is basic and polar, with histidine, which is basic and polar, at codon 197 of the CAPN3 protein (p.Arg197His). This variant is present in population databases (rs768426565, gnomAD 0.04%). This missense change has been observed in individual(s) with autosomal recessive limb-girdle muscular dystrophy (PMID: 18854869). ClinVar contains an entry for this variant (Variation ID: 315892). Advanced modeling of protein sequence and biophysical properties (such as structural, functional, and spatial information, amino acid conservation, physicochemical variation, residue mobility, and thermodynamic stability) performed at Invitae indicates that this missense variant is not expected to disrupt CAPN3 protein function with a negative predictive value of 80%. This variant disrupts the p.Arg197 amino acid residue in CAPN3. Other variant(s) that disrupt this residue have been observed in individuals with CAPN3-related conditions (PMID: 15689361, 16141003, 30564623, 33337384), which suggests that this may be a clinically significant amino acid residue. In summary, the available evidence is currently insufficient to determine the role of this variant in disease. Therefore, it has been classified as a Variant of Uncertain Significance.

Blueprint Genetics
Classification: Likely pathogenic for CAPN3-related disorders. Last evaluated: 2024-06-04. Review status: criteria provided, single submitter. Criteria: ACMG Guidelines, 2015. Collection method: clinical testing. Allele origin: germline. Affected: yes. Observed: 5 variant alleles.

Baylor Genetics
Classification: Likely pathogenic for Muscular dystrophy, limb-girdle, autosomal dominant 4. Last evaluated: 2024-03-28. Review status: criteria provided, single submitter. Criteria: ACMG Guidelines, 2015. Collection method: clinical testing. Allele origin: unknown.

Counsyl
Classification: Uncertain significance for Autosomal recessive limb-girdle muscular dystrophy type 2A. Last evaluated: 2017-01-17. Review status: no assertion criteria provided. Collection method: clinical testing. Allele origin: unknown. Not counted in ClinVar's aggregate classification.

Literature cited by the submitters: PubMed 18854869 (cited by 3 submitters); PubMed 15689361 (cited by Labcorp Genetics (formerly Invitae), Labcorp); PubMed 16141003 (cited by Labcorp Genetics (formerly Invitae), Labcorp); PubMed 30564623 (cited by Labcorp Genetics (formerly Invitae), Labcorp); PubMed 33337384 (cited by Labcorp Genetics (formerly Invitae), Labcorp).